The following is an entry in ClinVar:

NM_000152.5(GAA):c.1636+8C>T

Gene: GAA (alpha glucosidase; plus strand). Cytogenetic location: 17q25.3.
Variant type: single nucleotide variant.
Coding change: c.1636+8C>T on transcript NM_000152.5 (MANE Select); 8 bases into the intron after coding-DNA position 1636, C replaced by T.
Molecular consequence: intron variant.
Genome position (GRCh38, 1-based): chr17:80,111,033, C>T. VCF-style: chr17-80111033-C-T. GRCh37 (hg19) VCF-style: chr17-78084832-C-T.
Other names: c.1636+8C>T (NM_001079803.3, NM_001079804.3, LRG_673t1).
Identifiers: ClinVar variation 515304 (VCV000515304.12), dbSNP rs572293131, ClinGen allele CA8815396.

ClinVar aggregate classification (germline): Likely benign. Review status: criteria provided, multiple submitters, no conflicts (2 of 4 stars). 2 submissions from 2 submitters: Likely benign (2). Last evaluated 2025-12-16.

Conditions:
Glycogen storage disease, type II (IOPD). Also called: CARDIOMEGALIA GLYCOGENICA DIFFUSA; ACID ALPHA-GLUCOSIDASE DEFICIENCY, INFANTILE-ONSET; GAA DEFICIENCY, INFANTILE-ONSET; ACID MALTASE DEFICIENCY, INFANTILE-ONSET; Glucosidase acid-1,4-alpha deficiency; Pompe Disease. Identifiers: Orphanet 365, MedGen C0017921, MONDO:0009290, OMIM 232300.

Allele frequency attached by ClinVar (database versions not stated): ExAC 0.00004; gnomAD exomes 0.00004; TOPMed 0.00005; gnomAD 0.00007; 1000 Genomes Project 30x 0.00016; 1000 Genomes Project 0.00020.
gnomAD v4.1: 72 of 1,613,078 alleles (0.0045%); highest among the groups gnomAD compares: Non-Finnish European, 0.0057%; no homozygotes.

Submissions (2):

Labcorp Genetics (formerly Invitae), Labcorp
Classification: Likely benign for Glycogen storage disease, type II. Last evaluated: 2025-12-16. Review status: criteria provided, single submitter. Criteria: Invitae Variant Classification Sherloc (09022015). Collection method: clinical testing. Allele origin: germline.

GeneDx
Classification: Likely benign. Last evaluated: 2018-02-08. Review status: criteria provided, single submitter. Criteria: GeneDx Variant Classification (06012015). Collection method: clinical testing. Allele origin: germline. Affected: yes.
Comment: This variant is considered likely benign or benign based on one or more of the following criteria: it is a conservative change, it occurs at a poorly conserved position in the protein, it is predicted to be benign by multiple in silico algorithms, and/or has population frequency not consistent with disease.